The following is an entry in ClinVar:

ClinVar aggregate classification (germline): Uncertain significance (1 of 4 stars; one submission).

Conditions:
Inborn genetic diseases. Identifiers: MedGen C0950123, MeSH D030342.

gnomAD v4.1: 3 of 1,613,936 alleles (0.00019%); highest among the groups gnomAD compares: African/African-American, 0.0013%; no homozygotes.

Submission:

Ambry Genetics
Classification: Uncertain significance for Inborn genetic diseases. Last evaluated: 2026-05-18. Review status: criteria provided, single submitter. Criteria: Ambry Variant Classification Scheme 2023. Collection method: clinical testing. Allele origin: germline.
Comment: The p.R517G variant (also known as c.1549A>G), located in coding exon 1 of the SAMD9 gene, results from an A to G substitution at nucleotide position 1549. The arginine at codon 517 is replaced by glycine, an amino acid with dissimilar properties. This amino acid position is conserved. In addition, this alteration is predicted to be tolerated by in silico analysis. Based on the available evidence, the clinical significance of this variant remains unclear.

NM_017654.4(SAMD9):c.1549A>G (p.Arg517Gly)

Gene: SAMD9 (sterile alpha motif domain containing 9; minus strand). Cytogenetic location: 7q21.2.
Variant type: single nucleotide variant.
Coding change: c.1549A>G on transcript NM_017654.4 (MANE Select); coding-DNA position 1549, A replaced by G.
Protein change: p.Arg517Gly; replaces arginine 517 with glycine.
Molecular consequence: missense variant.
Genome position (GRCh38, 1-based): chr7:93,104,549, T>C on the plus strand (A>G on the coding strand, the complement: SAMD9 is on the minus strand). VCF-style: chr7-93104549-T-C. GRCh37 (hg19) VCF-style: chr7-92733862-T-C.
Other names: c.1549A>G, p.Arg517Gly (NM_001193307.2); short protein forms R517G.
Identifiers: ClinVar variation 4863866 (VCV004863866.1).
Genomic context (GRCh38, chr7:93,104,549, plus strand): 5'-CTCTTGGCATTATGTCTTCATGTGTAAGAAATGAAATCAGTTTCCTGACATCAGAAGCTC[T>C]TTCTCTTTGCCAGGAACTTGGATCAAAGGGTTTATATTTTTCACTGTCAAGGTCTAACCT-3'
Protein context (NP_060124.2, residues 507-527): PFDPSSWQRE[Arg517Gly]ASDVRKLISF